The following is an entry in ClinVar:

ClinVar aggregate classification (germline): Conflicting classifications of pathogenicity. Review status: criteria provided, conflicting classifications (1 of 4 stars). 3 submissions from 3 submitters: Uncertain significance (1); Likely benign (1). 1 of the submissions does not count toward it. Last evaluated 2026-01-31.

Conditions:
Baller-Gerold syndrome (BGS). Also called: CRANIOSYNOSTOSIS WITH RADIAL DEFECTS. Identifiers: Orphanet 1225, MedGen C0265308, MONDO:0009039, OMIM 218600.

Allele frequency attached by ClinVar (database versions not stated): ExAC 0.00001; gnomAD exomes 0.00001; TOPMed 0.00004; gnomAD 0.00007; ESP Exome Variant Server 0.00008.
gnomAD v4.1: 32 of 1,603,604 alleles (0.002%); highest among the groups gnomAD compares: East Asian, 0.009%; no homozygotes.

Submissions (3):

Labcorp Genetics (formerly Invitae), Labcorp
Classification: Likely benign for Baller-Gerold syndrome. Last evaluated: 2026-01-31. Review status: criteria provided, single submitter. Criteria: Invitae Variant Classification Sherloc (09022015). Collection method: clinical testing. Allele origin: germline.

GeneDx
Classification: Uncertain significance. Last evaluated: 2022-05-25. Review status: criteria provided, single submitter. Criteria: GeneDx Variant Classification Process June 2021. Collection method: clinical testing. Allele origin: germline. Affected: yes.
Comment: In silico analysis supports that this missense variant does not alter protein structure/function; Has not been previously published as pathogenic or benign to our knowledge

Department of Pathology and Laboratory Medicine, Sinai Health System
Classification: Uncertain significance. Review status: no assertion criteria provided. Collection method: clinical testing. Allele origin: unknown. Affected: yes. Study: The Canadian Open Genetics Repository (COGR). Not counted in ClinVar's aggregate classification.
Comment: The RECQL4 p.Met915Val variant was not identified in the literature nor was it identified in Cosmic or LOVD 3.0. The variant was identified in dbSNP (ID: rs374898583) and ClinVar (classified as uncertain significance by Invitae for Baller-Gerold syndrome). The variant was also identified in control databases in 3 of 231466 chromosomes at a frequency of 0.000013 (Genome Aggregation Database Feb 27, 2017). The variant was observed in the following populations: African in 1 of 13596 chromosomes (freq: 0.000074), Latino in 1 of 32644 chromosomes (freq: 0.000031) and European (non-Finnish) in 1 of 103854 chromosomes (freq: 0.00001), but was not observed in the Ashkenazi Jewish, East Asian, European (Finnish), Other or South Asian populations. The p.Met915 residue is not conserved in mammals and computational analyses (PolyPhen-2, SIFT, AlignGVGD, BLOSUM, MutationTaster) do not suggest a high likelihood of impact to the protein; however, this information is not predictive enough to rule out pathogenicity. The variant occurs outside of the splicing consensus sequence and in silico or computational prediction software programs (SpliceSiteFinder, MaxEntScan, NNSPLICE, GeneSplicer) do not predict a difference in splicing. In summary, based on the above information the clinical significance of this variant cannot be determined with certainty at this time. This variant is classified as a variant of uncertain significance.

NM_004260.4(RECQL4):c.2743A>G (p.Met915Val)

Gene: RECQL4 (RecQ like helicase 4; minus strand). Cytogenetic location: 8q24.3.
Variant type: single nucleotide variant.
Coding change: c.2743A>G on transcript NM_004260.4 (MANE Select); coding-DNA position 2743, A replaced by G.
Protein change: p.Met915Val; replaces methionine 915 with valine.
Molecular consequence: missense variant.
Genome position (GRCh38, 1-based): chr8:144,512,859, T>C on the plus strand (A>G on the coding strand, the complement: RECQL4 is on the minus strand). VCF-style: chr8-144512859-T-C. GRCh37 (hg19) VCF-style: chr8-145738242-T-C.
Other names: short protein forms M915V.
Identifiers: ClinVar variation 529039 (VCV000529039.12), dbSNP rs374898583, ClinGen allele CA4948128.